The following is an entry in ClinVar:

NM_001036.6(RYR3):c.5438A>C (p.Tyr1813Ser)

Gene: RYR3 (ryanodine receptor 3; plus strand). Cytogenetic location: 15q14.
Variant type: single nucleotide variant.
Coding change: c.5438A>C on transcript NM_001036.6 (MANE Select); coding-DNA position 5438, A replaced by C.
Protein change: p.Tyr1813Ser; replaces tyrosine 1813 with serine.
Molecular consequence: missense variant.
Genome position (GRCh38, 1-based): chr15:33,663,556, A>C. VCF-style: chr15-33663556-A-C. GRCh37 (hg19) VCF-style: chr15-33955757-A-C.
Other names: c.5438A>C, p.Tyr1813Ser (NM_001243996.4); short protein forms Y1813S.
Identifiers: ClinVar variation 970518 (VCV000970518.9), dbSNP rs372615267, ClinGen allele CA7459267.

ClinVar aggregate classification (germline): Uncertain significance (1 of 4 stars; one submission).

Conditions:
Epileptic encephalopathy. Identifiers: MedGen C0543888, HP:0200134.

Allele frequency attached by ClinVar (database versions not stated): gnomAD 0.00001; TOPMed 0.00001; ESP Exome Variant Server 0.00008.
gnomAD v4.1: 1 of 1,613,702 alleles (0.000062%); highest among the groups gnomAD compares: Non-Finnish European, 0.000085%; no homozygotes.

Submission:

Labcorp Genetics (formerly Invitae), Labcorp
Classification: Uncertain significance for Epileptic encephalopathy. Last evaluated: 2019-10-02. Review status: criteria provided, single submitter. Criteria: Invitae Variant Classification Sherloc (09022015). Collection method: clinical testing. Allele origin: germline.
Comment: This variant has not been reported in the literature in individuals with RYR3-related conditions. This variant is present in population databases (rs372615267, ExAC 0.002%). This sequence change replaces tyrosine with serine at codon 1813 of the RYR3 protein (p.Tyr1813Ser). The tyrosine residue is highly conserved and there is a large physicochemical difference between tyrosine and serine. Algorithms developed to predict the effect of missense changes on protein structure and function are either unavailable or do not agree on the potential impact of this missense change (SIFT: "Deleterious"; PolyPhen-2: "Possibly Damaging"; Align-GVGD: "Class C15"). In summary, the available evidence is currently insufficient to determine the role of this variant in disease. Therefore, it has been classified as a Variant of Uncertain Significance.